The following is an entry in ClinVar:

ClinVar aggregate classification (germline): Conflicting classifications of pathogenicity. Review status: criteria provided, conflicting classifications (1 of 4 stars). 3 submissions from 3 submitters: Uncertain significance (2); Likely benign (1). Last evaluated 2026-02-04.

Conditions:
Ataxia-telangiectasia syndrome (AT). Also called: Ataxia-telangiectasia; Cerebello-oculocutaneous telangiectasia; Immunodeficiency with ataxia telangiectasia; Ataxia-telangiectasia, complementation group D; AT, COMPLEMENTATION GROUP C; LOUIS-BAR SYNDROME. Identifiers: Orphanet 100, MedGen C0004135, MONDO:0008840, OMIM 208900.
Hereditary cancer-predisposing syndrome. Also called: Tumor predisposition; Hereditary neoplastic syndrome; Hereditary Cancer Syndrome; Neoplastic Syndromes, Hereditary. Identifiers: Orphanet 140162, MedGen C0027672, MeSH D009386, MONDO:0015356.

Submissions (3):

Ambry Genetics
Classification: Uncertain significance for Hereditary cancer-predisposing syndrome. Last evaluated: 2026-02-04. Review status: criteria provided, single submitter. Criteria: Ambry Variant Classification Scheme 2023. Collection method: clinical testing. Allele origin: germline.
Comment: The c.3577-3C>A intronic variant results from a C to A substitution 3 nucleotides upstream from coding exon 24 in the ATM gene. This nucleotide position is not well conserved in available vertebrate species. In silico splice site analysis predicts that this alteration will not have any significant effect on splicing. Based on the available evidence, the clinical significance of this variant remains unclear.

Color Diagnostics, LLC DBA Color Health
Classification: Likely benign for Hereditary cancer-predisposing syndrome. Last evaluated: 2025-11-17. Review status: criteria provided, single submitter. Criteria: ACMG Guidelines, 2015. Collection method: clinical testing. Allele origin: germline.

Labcorp Genetics (formerly Invitae), Labcorp
Classification: Uncertain significance for Ataxia-telangiectasia syndrome. Last evaluated: 2023-04-20. Review status: criteria provided, single submitter. Criteria: Invitae Variant Classification Sherloc (09022015). Collection method: clinical testing. Allele origin: germline.
Comment: This variant has not been reported in the literature in individuals affected with ATM-related conditions. In summary, the available evidence is currently insufficient to determine the role of this variant in disease. Therefore, it has been classified as a Variant of Uncertain Significance. Variants that disrupt the consensus splice site are a relatively common cause of aberrant splicing (PMID: 17576681, 9536098). Studies have shown that this variant is associated with altered splicing resulting in unknown protein product impact (Invitae). ClinVar contains an entry for this variant (Variation ID: 232329). This variant is not present in population databases (gnomAD no frequency). This sequence change falls in intron 24 of the ATM gene. It does not directly change the encoded amino acid sequence of the ATM protein. It affects a nucleotide within the consensus splice site.

Literature cited by the submitters: PubMed 17576681 (cited by Labcorp Genetics (formerly Invitae), Labcorp); PubMed 9536098 (cited by Labcorp Genetics (formerly Invitae), Labcorp).

NM_000051.4(ATM):c.3577-3C>A

Gene: ATM (ATM serine/threonine kinase; plus strand). Cytogenetic location: 11q22.3.
Variant type: single nucleotide variant.
Coding change: c.3577-3C>A on transcript NM_000051.4 (MANE Select); 3 bases into the intron before coding-DNA position 3577, C replaced by A.
Molecular consequence: intron variant.
Genome position (GRCh38, 1-based): chr11:108,282,707, C>A. VCF-style: chr11-108282707-C-A. GRCh37 (hg19) VCF-style: chr11-108153434-C-A.
Other names: c.3577-3C>A (NM_001351834.2).
Identifiers: ClinVar variation 232329 (VCV000232329.11), dbSNP rs876659700, ClinGen allele CA10579115.